The following is an entry in ClinVar:

NM_019098.5(CNGB3):c.1207C>T (p.Arg403Ter)

Gene: CNGB3 (cyclic nucleotide gated channel subunit beta 3; minus strand). Cytogenetic location: 8q21.3.
Variant type: single nucleotide variant.
Coding change: c.1207C>T on transcript NM_019098.5 (MANE Select); coding-DNA position 1207, C replaced by T.
Protein change: p.Arg403Ter; replaces arginine 403 with a stop codon.
Molecular consequence: nonsense.
Genome position (GRCh38, 1-based): chr8:86,632,865, G>A on the plus strand (C>T on the coding strand, the complement: CNGB3 is on the minus strand). VCF-style: chr8-86632865-G-A. GRCh37 (hg19) VCF-style: chr8-87645093-G-A.
Other names: short protein forms R403*.
Identifiers: ClinVar variation 812287 (VCV000812287.52), dbSNP rs770786127, ClinGen allele CA4800107.

ClinVar aggregate classification (germline): Pathogenic. Review status: criteria provided, multiple submitters, no conflicts (2 of 4 stars). 7 submissions from 7 submitters: Pathogenic (6). 1 of the submissions does not count toward it. Last evaluated 2026-07-01.

Conditions:
Achromatopsia 3 (ACHM3). Also called: PINGELAPESE BLINDNESS; TOTAL COLORBLINDNESS WITH MYOPIA; ROD MONOCHROMACY 1; ROD MONOCHROMATISM 1; ACHROMATOPSIA WITH MYOPIA. Identifiers: Orphanet 49382, MedGen C1849792, MONDO:0009875, OMIM 262300.
CNGB3-related disorder. Also called: CNGB3-related condition; CNGB3-related disorders. Identifiers: MedGen CN239340.
Achromatopsia. Also called: Rod monochromatism. Identifiers: Orphanet 49382, MedGen C0152200, MONDO:0018852, HP:0011516.

Allele frequency attached by ClinVar (database versions not stated): gnomAD 0.00001; ExAC 0.00002; gnomAD exomes 0.00002; TOPMed 0.00002.

Submissions (7):

CeGaT Center for Human Genetics Tuebingen
Classification: Pathogenic. Last evaluated: 2026-07-01. Review status: criteria provided, single submitter. Criteria: CeGaT Center For Human Genetics Tuebingen Variant Classification Criteria Version 2. Collection method: clinical testing. Allele origin: germline. Affected: yes. Observed: 2 variant alleles.
Comment: CNGB3: PVS1, PM3:Strong, PM2

Natera, Inc.
Classification: Pathogenic for Achromatopsia. Last evaluated: 2025-08-06. Review status: criteria provided, single submitter. Criteria: Natera Variant Classification Schema (03/2026). Collection method: clinical testing. Allele origin: germline.
Comment: The c.1207C>T variant in CNGB3 is a nonsense variant predicted to introduce a stop codon at amino acid 403. This variant is expected to result in nonsense mediated decay, truncation, or a dysfunctional protein product. This variant is rare in the general population with a frequency below the threshold expected for the associated phenotype(s). This variant has been observed in one or more individuals affected with the associated recessive disease, as either homozygous or compound heterozygous with a second variant (PMID: 32869108, 32531858). Given the available evidence, this variant is classified as Pathogenic.

Genomic Medicine Center of Excellence, King Faisal Specialist Hospital and Research Centre
Classification: Pathogenic for Achromatopsia 3. Last evaluated: 2024-03-26. Review status: criteria provided, single submitter. Criteria: ACMG Guidelines, 2015. Collection method: clinical testing. Allele origin: germline.

Labcorp Genetics (formerly Invitae), Labcorp
Classification: Pathogenic. Last evaluated: 2023-10-11. Review status: criteria provided, single submitter. Criteria: Invitae Variant Classification Sherloc (09022015). Collection method: clinical testing. Allele origin: germline.
Comment: This sequence change creates a premature translational stop signal (p.Arg403*) in the CNGB3 gene. It is expected to result in an absent or disrupted protein product. Loss-of-function variants in CNGB3 are known to be pathogenic (PMID: 28795510). This variant is present in population databases (rs770786127, gnomAD 0.003%). This premature translational stop signal has been observed in individual(s) with achromatopsia (PMID: 31456290, 32869108). In at least one individual the data is consistent with being in trans (on the opposite chromosome) from a pathogenic variant. ClinVar contains an entry for this variant (Variation ID: 812287). Algorithms developed to predict the effect of sequence changes on RNA splicing suggest that this variant may disrupt the consensus splice site. For these reasons, this variant has been classified as Pathogenic.

Blueprint Genetics
Classification: Pathogenic for CNGB3-related disorders. Last evaluated: 2021-10-19. Review status: criteria provided, single submitter. Criteria: ACMG Guidelines, 2015. Collection method: clinical testing. Allele origin: germline. Affected: yes. Observed: 3 variant alleles.

Molecular Genetics Laboratory, Institute for Ophthalmic Research
Classification: Pathogenic for Achromatopsia. Last evaluated: 2020-01-09. Review status: criteria provided, single submitter. Criteria: ACMG Guidelines, 2015. Collection method: research. Allele origin: germline. Affected: yes.

Sharon lab, Hadassah-Hebrew University Medical Center
Classification: Pathogenic for achromatopsia. Last evaluated: 2019-06-23. Review status: no assertion criteria provided. Collection method: research. Allele origin: inherited. Affected: yes. Not counted in ClinVar's aggregate classification.

Literature cited by the submitters: PubMed 32869108 (cited by Natera, Inc. and Labcorp Genetics (formerly Invitae), Labcorp); PubMed 32531858 (cited by Natera, Inc.); PubMed 28795510 (cited by Labcorp Genetics (formerly Invitae), Labcorp); PubMed 31456290 (cited by Labcorp Genetics (formerly Invitae), Labcorp).